The following is an entry in ClinVar:

ClinVar aggregate classification (germline): Uncertain significance (1 of 4 stars; one submission).

gnomAD v4.1: 1 of 1,209,964 alleles (0.000083%); highest among the groups gnomAD compares: Non-Finnish European, 0.00011%; no homozygotes.

Submission:

Greenwood Genetic Center Diagnostic Laboratories, Greenwood Genetic Center
Classification: Uncertain significance. Last evaluated: 2026-05-21. Review status: criteria provided, single submitter. Criteria: ACMG Guidelines, 2015. Collection method: clinical testing. Allele origin: germline.
Comment: PM2, PP2, PP3

NM_000533.5(PLP1):c.20G>A (p.Cys7Tyr)

Genes: PLP1 (proteolipid protein 1; plus strand), RAB9B (RAB9B, member RAS oncogene family; minus strand). Cytogenetic location: Xq22.2.
Variant type: single nucleotide variant.
Coding change: c.20G>A on transcript NM_000533.5 (MANE Select); coding-DNA position 20, G replaced by A.
Protein change: p.Cys7Tyr; replaces cysteine 7 with tyrosine.
Molecular consequence: missense variant. On other transcripts: intron variant (1).
Genome position (GRCh38, 1-based): chrX:103,785,597, G>A. VCF-style: chrX-103785597-G-A. GRCh37 (hg19) VCF-style: chrX-103040526-G-A.
Other names: c.20G>A, p.Cys7Tyr (NM_001128834.3, NM_199478.3); c.5-150G>A (NM_001305004.1); short protein forms C7Y.
Identifiers: ClinVar variation 4891099 (VCV004891099.1).